The following is an entry in ClinVar:

NM_006231.4(POLE):c.4072A>C (p.Ile1358Leu)

Gene: POLE (DNA polymerase epsilon, catalytic subunit; minus strand). Cytogenetic location: 12q24.33.
Variant type: single nucleotide variant.
Coding change: c.4072A>C on transcript NM_006231.4 (MANE Select); coding-DNA position 4072, A replaced by C.
Protein change: p.Ile1358Leu; replaces isoleucine 1358 with leucine.
Molecular consequence: missense variant.
Genome position (GRCh38, 1-based): chr12:132,649,006, T>G on the plus strand (A>C on the coding strand, the complement: POLE is on the minus strand). VCF-style: chr12-132649006-T-G. GRCh37 (hg19) VCF-style: chr12-133225592-T-G.
Other names: short protein forms I1358L.
Identifiers: ClinVar variation 4798527 (VCV004798527.1).

ClinVar aggregate classification (germline): Uncertain significance (1 of 4 stars; one submission).

Submission:

Labcorp Genetics (formerly Invitae), Labcorp
Classification: Uncertain significance. Last evaluated: 2026-01-04. Review status: criteria provided, single submitter. Criteria: Invitae Variant Classification Sherloc (09022015). Collection method: clinical testing. Allele origin: germline.
Comment: This sequence change replaces isoleucine, which is neutral and non-polar, with leucine, which is neutral and non-polar, at codon 1358 of the POLE protein (p.Ile1358Leu). This variant is not present in population databases (gnomAD no frequency). This variant has not been reported in the literature in individuals affected with POLE-related conditions. Invitae Evidence Modeling of protein sequence and biophysical properties (such as structural, functional, and spatial information, amino acid conservation, physicochemical variation, residue mobility, and thermodynamic stability) indicates that this missense variant is not expected to disrupt POLE protein function with a negative predictive value of 80%. In summary, the available evidence is currently insufficient to determine the role of this variant in disease. Therefore, it has been classified as a Variant of Uncertain Significance.